The following is an entry in ClinVar:

ClinVar aggregate classification (germline): Uncertain significance (1 of 4 stars; one submission).

gnomAD v4.1: 1 of 1,582,546 alleles (0.000063%); highest among the groups gnomAD compares: South Asian, 0.0012%; no homozygotes.

Submission:

Labcorp Genetics (formerly Invitae), Labcorp
Classification: Uncertain significance. Last evaluated: 2025-05-01. Review status: criteria provided, single submitter. Criteria: Invitae Variant Classification Sherloc (09022015). Collection method: clinical testing. Allele origin: germline.
Comment: This sequence change replaces leucine, which is neutral and non-polar, with phenylalanine, which is neutral and non-polar, at codon 1544 of the NIN protein (p.Leu1544Phe). This variant is not present in population databases (gnomAD no frequency). This variant has not been reported in the literature in individuals affected with NIN-related conditions. An algorithm developed to predict the effect of missense changes on protein structure and function (PolyPhen-2) suggests that this variant is likely to be disruptive. In summary, the available evidence is currently insufficient to determine the role of this variant in disease. Therefore, it has been classified as a Variant of Uncertain Significance.

NM_020921.4(NIN):c.4632A>C (p.Leu1544Phe)

Gene: NIN (ninein; minus strand). Cytogenetic location: 14q22.1.
Variant type: single nucleotide variant.
Coding change: c.4632A>C on transcript NM_020921.4 (MANE Select); coding-DNA position 4632, A replaced by C.
Protein change: p.Leu1544Phe; replaces leucine 1544 with phenylalanine.
Molecular consequence: missense variant.
Genome position (GRCh38, 1-based): chr14:50,754,774, T>G on the plus strand (A>C on the coding strand, the complement: NIN is on the minus strand). VCF-style: chr14-50754774-T-G. GRCh37 (hg19) VCF-style: chr14-51221492-T-G.
Other names: c.2493A>C, p.Leu831Phe (NM_016350.5); c.4632A>C, p.Leu1544Phe (NM_182944.3, NM_182946.2); short protein forms L1544F, L831F.
Identifiers: ClinVar variation 4710066 (VCV004710066.1).